The following is an entry in ClinVar:

NM_004360.5(CDH1):c.163+75A>T

Gene: CDH1 (cadherin 1; plus strand). Cytogenetic location: 16q22.1.
Variant type: single nucleotide variant.
Coding change: c.163+75A>T on transcript NM_004360.5 (MANE Select); 75 bases into the intron after coding-DNA position 163, A replaced by T.
Molecular consequence: intron variant.
Genome position (GRCh38, 1-based): chr16:68,738,486, A>T. VCF-style: chr16-68738486-A-T. GRCh37 (hg19) VCF-style: chr16-68772389-A-T.
Other names: c.-1453+75A>T (NM_001317185.2); c.-1657+75A>T (NM_001317186.2); c.163+75A>T (NM_001317184.2).
Identifiers: ClinVar variation 2503019 (VCV002503019.1), dbSNP rs1465475126, ClinGen allele CA723158039.
Genomic context (GRCh38, chr16:68,738,486, plus strand): 5'-CCGGTGTCCCTGGGCGGAGTAGGGAGGGGTTGGAAAGGGGCCGAGAAATTGCACTCCCAC[A>T]CCCCTGGGTTGCAATGGGCAAGCTCCCTCCTTGGCTCAAACGACACCCCTTGGAATTTAC-3'

ClinVar aggregate classification (germline): Uncertain significance (1 of 4 stars; one submission).

Conditions:
Hereditary diffuse gastric adenocarcinoma (HDGC). Also called: DIFFUSE GASTRIC AND LOBULAR BREAST CANCER SYNDROME. Identifiers: Orphanet 26106, MedGen C1708349, MONDO:0007648, OMIM 137215.

Allele frequency attached by ClinVar (database versions not stated): gnomAD 0.00001; gnomAD exomes 0.00001; TOPMed 0.00003.
gnomAD v4.1: 9 of 994,626 alleles (0.0009%); highest among the groups gnomAD compares: East Asian, 0.013%; no homozygotes.

Submission:

European Reference Network on Genetic Tumour Risk Syndromes (ERN-GENTURIS), i3s - Instituto de Investigação e Inovação em Saúde, University of Porto
Classification: Uncertain significance for Hereditary diffuse gastric adenocarcinoma. Last evaluated: 2022-08-01. Review status: criteria provided, single submitter. Criteria: Lee et al. (Hum Mutat. 2018). Collection method: clinical testing. Allele origin: germline. Inheritance: Autosomal dominant inheritance. Affected: no. Study: ERN GENTURIS.
Comment: PM2 (PMID: 30311375)

Literature cited by the submitters: PubMed 36436516.